The following is an entry in ClinVar:

NM_015015.3(KDM4B):c.886C>T (p.Arg296Trp)

Gene: KDM4B (lysine demethylase 4B; plus strand). Cytogenetic location: 19p13.3.
Variant type: single nucleotide variant.
Coding change: c.886C>T on transcript NM_015015.3 (MANE Select); coding-DNA position 886, C replaced by T.
Protein change: p.Arg296Trp; replaces arginine 296 with tryptophan.
Molecular consequence: missense variant.
Genome position (GRCh38, 1-based): chr19:5,082,472, C>T. VCF-style: chr19-5082472-C-T. GRCh37 (hg19) VCF-style: chr19-5082483-C-T.
Other names: c.886C>T, p.Arg296Trp (NM_001370093.1, NM_001370094.1, NM_001411148.1); short protein forms R296W.
Identifiers: ClinVar variation 3367641 (VCV003367641.2).

ClinVar aggregate classification (germline): Uncertain significance (1 of 4 stars; one submission).

Submission:

GeneDx
Classification: Uncertain significance. Last evaluated: 2025-09-29. Review status: criteria provided, single submitter. Criteria: GeneDx Variant Classification Process June 2021. Collection method: clinical testing. Allele origin: germline.
Comment: Not observed at significant frequency in large population cohorts (gnomAD); In silico analysis supports that this missense variant has a deleterious effect on protein structure/function; Has not been previously published as pathogenic or benign to our knowledge